The following is an entry in ClinVar:

NM_001271.4(CHD2):c.2671C>T (p.Pro891Ser)

Gene: CHD2 (chromodomain helicase DNA binding protein 2; plus strand). Cytogenetic location: 15q26.1.
Variant type: single nucleotide variant.
Coding change: c.2671C>T on transcript NM_001271.4 (MANE Select); coding-DNA position 2671, C replaced by T.
Protein change: p.Pro891Ser; replaces proline 891 with serine.
Molecular consequence: missense variant.
Genome position (GRCh38, 1-based): chr15:92,978,327, C>T. VCF-style: chr15-92978327-C-T. GRCh37 (hg19) VCF-style: chr15-93521557-C-T.
Other names: short protein forms P891S.
Identifiers: ClinVar variation 1717983 (VCV001717983.6), dbSNP rs2505543269, ClinGen allele CA393893851.
Genomic context (GRCh38, chr15:92,978,327, plus strand): 5'-GGCCTGGGAATCAATTTGGCTTCAGCGGACACAGTCGTCATCTTTGACTCTGACTGGAAC[C>T]CCCAGAATGACTTGCAGGCACAAGCCCGAGCGCATAGAATTGGTCAAAAGAAGCAGGTCA-3'
Protein context (NP_001262.3, residues 881-901): TVVIFDSDWN[Pro891Ser]QNDLQAQARA

ClinVar aggregate classification (germline): Uncertain significance (1 of 4 stars; one submission).

Conditions:
Developmental and epileptic encephalopathy 94 (DEE94). Also called: CHD2-Related Neurodevelopmental Disorders; Epileptic encephalopathy, childhood-onset. Identifiers: Orphanet 1942, Orphanet 2382, MedGen C3809278, MONDO:0014150, OMIM 615369.

Submission:

Labcorp Genetics (formerly Invitae), Labcorp
Classification: Uncertain significance for Developmental and epileptic encephalopathy 94. Last evaluated: 2022-08-24. Review status: criteria provided, single submitter. Criteria: Invitae Variant Classification Sherloc (09022015). Collection method: clinical testing. Allele origin: germline.
Comment: In summary, the available evidence is currently insufficient to determine the role of this variant in disease. Therefore, it has been classified as a Variant of Uncertain Significance. Advanced modeling of protein sequence and biophysical properties (such as structural, functional, and spatial information, amino acid conservation, physicochemical variation, residue mobility, and thermodynamic stability) performed at Invitae indicates that this missense variant is expected to disrupt CHD2 protein function. This variant has not been reported in the literature in individuals affected with CHD2-related conditions. This variant is not present in population databases (gnomAD no frequency). This sequence change replaces proline, which is neutral and non-polar, with serine, which is neutral and polar, at codon 891 of the CHD2 protein (p.Pro891Ser).